The following is an entry in ClinVar:

ClinVar aggregate classification (germline): Pathogenic (1 of 4 stars; one submission).

Conditions:
Duchenne muscular dystrophy (DMD). Also called: MUSCULAR DYSTROPHY, PSEUDOHYPERTROPHIC PROGRESSIVE, DUCHENNE TYPE; Duchenne Muscular Dystrophy (DMD). Identifiers: Orphanet 98896, MedGen C0013264, MONDO:0010679, OMIM 310200.

Submission:

Labcorp Genetics (formerly Invitae), Labcorp
Classification: Pathogenic for Duchenne muscular dystrophy. Last evaluated: 2016-06-25. Review status: criteria provided, single submitter. Criteria: Invitae Variant Classification Sherloc (09022015). Collection method: clinical testing. Allele origin: germline.
Comment: This variant is a gross deletion of the genomic region encompassing exons 8-15 of the DMD gene. This out-of-frame deletion creates a premature translational stop signal and is expected to result in an absent or disrupted protein product. Loss-of-function variants in DMD are known to be pathogenic. A similar deletion has been reported in the Universal Mutation Database in individuals affected with Duchenne muscular dystrophy (PMID: 19367636). For these reasons, this variant has been classified as Pathogenic.

NC_000023.11:g.(?_32573530)_(32699293_?)del

Genes: MIR548F5 (microRNA 548f-5; minus strand), DMD (dystrophin; minus strand), MIR3915 (microRNA 3915; minus strand). Cytogenetic location: Xp21.1.
Variant type: Deletion.
Identifiers: ClinVar variation 417507 (VCV000417507.1).